The following is an entry in ClinVar:

ClinVar aggregate classification (germline): Uncertain significance (1 of 4 stars; one submission).

Conditions:
Inborn genetic diseases. Identifiers: MedGen C0950123, MeSH D030342.

Submission:

Ambry Genetics
Classification: Uncertain significance for Inborn genetic diseases. Last evaluated: 2025-04-06. Review status: criteria provided, single submitter. Criteria: Ambry Variant Classification Scheme 2023. Collection method: clinical testing. Allele origin: germline.
Comment: The p.A752S variant (also known as c.2254G>T), located in coding exon 24 of the RTEL1 gene, results from a G to T substitution at nucleotide position 2254. The alanine at codon 752 is replaced by serine, an amino acid with similar properties. This amino acid position is conserved. In addition, this alteration is predicted to be tolerated by in silico analysis. Based on the available evidence, the clinical significance of this variant remains unclear.

NM_001283009.2(RTEL1):c.2254G>T (p.Ala752Ser)

Genes: RTEL1 (regulator of telomere elongation helicase 1; plus strand), RTEL1-TNFRSF6B (RTEL1-TNFRSF6B readthrough (NMD candidate); plus strand). Cytogenetic location: 20q13.33.
Variant type: single nucleotide variant.
Coding change: c.2254G>T on transcript NM_001283009.2 (MANE Select); coding-DNA position 2254, G replaced by T.
Protein change: p.Ala752Ser; replaces alanine 752 with serine.
Molecular consequence: missense variant. On other transcripts: non-coding transcript variant (1).
Genome position (GRCh38, 1-based): chr20:63,690,199, G>T. VCF-style: chr20-63690199-G-T. GRCh37 (hg19) VCF-style: chr20-62321552-G-T.
Other names: c.1585G>T, p.Ala529Ser (NM_001283010.1); c.2254G>T, p.Ala752Ser (NM_016434.4); c.2326G>T, p.Ala776Ser (NM_032957.5); short protein forms A529S, A776S, A752S.
Identifiers: ClinVar variation 3948302 (VCV003948302.1).